The following is an entry in ClinVar:

ClinVar aggregate classification (germline): Uncertain significance (1 of 4 stars; one submission).

Conditions:
Dilated cardiomyopathy 1DD (CMD1DD). Identifiers: Orphanet 154, MedGen C2750995, MONDO:0013168, OMIM 613172.

Allele frequency attached by ClinVar (database versions not stated): gnomAD exomes below 0.00001; gnomAD 0.00001.
gnomAD v4.1: 2 of 1,551,274 alleles (0.00013%); highest among the groups gnomAD compares: African/African-American, 0.0027%; no homozygotes.

Submission:

Labcorp Genetics (formerly Invitae), Labcorp
Classification: Uncertain significance for Dilated cardiomyopathy 1DD. Last evaluated: 2023-12-13. Review status: criteria provided, single submitter. Criteria: Invitae Variant Classification Sherloc (09022015). Collection method: clinical testing. Allele origin: germline.
Comment: This sequence change replaces asparagine, which is neutral and polar, with serine, which is neutral and polar, at codon 286 of the RBM20 protein (p.Asn286Ser). This variant is not present in population databases (gnomAD no frequency). This variant has not been reported in the literature in individuals affected with RBM20-related conditions. Advanced modeling of protein sequence and biophysical properties (such as structural, functional, and spatial information, amino acid conservation, physicochemical variation, residue mobility, and thermodynamic stability) performed at Invitae indicates that this missense variant is not expected to disrupt RBM20 protein function with a negative predictive value of 95%. In summary, the available evidence is currently insufficient to determine the role of this variant in disease. Therefore, it has been classified as a Variant of Uncertain Significance.

NM_001134363.3(RBM20):c.857A>G (p.Asn286Ser)

Gene: RBM20 (RNA binding motif protein 20; plus strand). Cytogenetic location: 10q25.2.
Variant type: single nucleotide variant.
Coding change: c.857A>G on transcript NM_001134363.3 (MANE Select); coding-DNA position 857, A replaced by G.
Protein change: p.Asn286Ser; replaces asparagine 286 with serine.
Molecular consequence: missense variant.
Genome position (GRCh38, 1-based): chr10:110,781,466, A>G. VCF-style: chr10-110781466-A-G. GRCh37 (hg19) VCF-style: chr10-112541224-A-G.
Other names: short protein forms N286S.
Identifiers: ClinVar variation 2985619 (VCV002985619.1), dbSNP rs1844346422, ClinGen allele CA378383914.
Genomic context (GRCh38, chr10:110,781,466, plus strand): 5'-ACTACAGCCACACAGGGCAGGATGGTCAAGCTGCCTTTTCCAAAGATTTTTACGGACCCA[A>G]CTCCCAAGGTTCACATGTGGCCAGCGGATTTCCAGCTGAGCAGGCTGGGGGCCTGAAAAG-3'
Protein context (NP_001127835.2, residues 276-296): AAFSKDFYGP[Asn286Ser]SQGSHVASGF